The following is an entry in ClinVar:

NM_001199799.2(ILDR1):c.432C>G (p.Tyr144Ter)

Gene: ILDR1 (immunoglobulin like domain containing receptor 1; minus strand). Cytogenetic location: 3q13.33.
Variant type: single nucleotide variant.
Coding change: c.432C>G on transcript NM_001199799.2 (MANE Select); coding-DNA position 432, C replaced by G.
Protein change: p.Tyr144Ter; replaces tyrosine 144 with a stop codon.
Molecular consequence: nonsense. On other transcripts: intron variant (1).
Genome position (GRCh38, 1-based): chr3:122,001,812, G>C on the plus strand (C>G on the coding strand, the complement: ILDR1 is on the minus strand). VCF-style: chr3-122001812-G-C. GRCh37 (hg19) VCF-style: chr3-121720659-G-C.
Other names: c.432C>G, p.Tyr144Ter (NM_175924.4); c.379+3432C>G (NM_001199800.2); short protein forms Y144*.
Identifiers: ClinVar variation 2997314 (VCV002997314.3), dbSNP rs2472821036, ClinGen allele CA354132339.

ClinVar aggregate classification (germline): Pathogenic (1 of 4 stars; one submission).

Submission:

Labcorp Genetics (formerly Invitae), Labcorp
Classification: Pathogenic. Last evaluated: 2023-05-19. Review status: criteria provided, single submitter. Criteria: Invitae Variant Classification Sherloc (09022015). Collection method: clinical testing. Allele origin: germline.
Comment: For these reasons, this variant has been classified as Pathogenic. This variant has not been reported in the literature in individuals affected with ILDR1-related conditions. This variant is not present in population databases (gnomAD no frequency). This sequence change creates a premature translational stop signal (p.Tyr144*) in the ILDR1 gene. It is expected to result in an absent or disrupted protein product. Loss-of-function variants in ILDR1 are known to be pathogenic (PMID: 21255762).

Literature cited by the submitters: PubMed 21255762.